The following is an entry in ClinVar:

ClinVar aggregate classification (germline): Uncertain significance. Review status: criteria provided, multiple submitters, no conflicts (2 of 4 stars). 2 submissions from 2 submitters: Uncertain significance (2). Last evaluated 2025-04-13.

Conditions:
Dystonic disorder. Also called: Dystonia. Identifiers: MedGen C0013421, MONDO:0003441, HP:0001332.

Allele frequency attached by ClinVar (database versions not stated): gnomAD 0.00001; gnomAD exomes 0.00001; TOPMed 0.00002; ExAC 0.00003.
gnomAD v4.1: 9 of 1,613,190 alleles (0.00056%); highest among the groups gnomAD compares: Admixed American, 0.015%; no homozygotes.

Submissions (2):

Ambry Genetics
Classification: Uncertain significance. Last evaluated: 2025-04-13. Review status: criteria provided, single submitter. Criteria: Ambry Variant Classification Scheme 2023. Collection method: clinical testing. Allele origin: germline.

Labcorp Genetics (formerly Invitae), Labcorp
Classification: Uncertain significance for Dystonic disorder. Last evaluated: 2023-06-20. Review status: criteria provided, single submitter. Criteria: Invitae Variant Classification Sherloc (09022015). Collection method: clinical testing. Allele origin: germline.
Comment: In summary, the available evidence is currently insufficient to determine the role of this variant in disease. Therefore, it has been classified as a Variant of Uncertain Significance. An algorithm developed to predict the effect of missense changes on protein structure and function (PolyPhen-2) suggests that this variant is likely to be tolerated. This sequence change replaces alanine, which is neutral and non-polar, with serine, which is neutral and polar, at codon 128 of the CIZ1 protein (p.Ala128Ser). This variant is present in population databases (rs747064119, gnomAD 0.02%). This variant has not been reported in the literature in individuals affected with CIZ1-related conditions. ClinVar contains an entry for this variant (Variation ID: 2139449).

NM_001131016.2(CIZ1):c.382G>T (p.Ala128Ser)

Gene: CIZ1 (CDKN1A interacting zinc finger protein 1; minus strand). Cytogenetic location: 9q34.11.
Variant type: single nucleotide variant.
Coding change: c.382G>T on transcript NM_001131016.2 (MANE Select); coding-DNA position 382, G replaced by T.
Protein change: p.Ala128Ser; replaces alanine 128 with serine.
Molecular consequence: missense variant.
Genome position (GRCh38, 1-based): chr9:128,185,753, C>A on the plus strand (G>T on the coding strand, the complement: CIZ1 is on the minus strand). VCF-style: chr9-128185753-C-A. GRCh37 (hg19) VCF-style: chr9-130948032-C-A.
Other names: c.382G>T, p.Ala128Ser (NM_001131015.2, NM_001131017.2, NM_012127.3); c.310G>T, p.Ala104Ser (NM_001131018.2); c.472G>T, p.Ala158Ser (NM_001257975.2); c.79G>T, p.Ala27Ser (NM_001257976.2); c.382G>T (NM_012127.2); short protein forms A128S, A158S, A27S, A104S.
Identifiers: ClinVar variation 2139449 (VCV002139449.5), dbSNP rs747064119, ClinGen allele CA5257590.